The following is an entry in ClinVar:

NM_058216.3(RAD51C):c.965+10G>A

Gene: RAD51C (RAD51 paralog C; plus strand). Cytogenetic location: 17q22.
Variant type: single nucleotide variant.
Coding change: c.965+10G>A on transcript NM_058216.3 (MANE Select); 10 bases into the intron after coding-DNA position 965, G replaced by A.
Molecular consequence: intron variant.
Genome position (GRCh38, 1-based): chr17:58,724,110, G>A. VCF-style: chr17-58724110-G-A. GRCh37 (hg19) VCF-style: chr17-56801471-G-A.
Other names: c.965+10G>A (LRG_314t1).
Identifiers: ClinVar variation 492400 (VCV000492400.13), dbSNP rs759703406, ClinGen allele CA8677368.
Genomic context (GRCh38, chr17:58,724,110, plus strand): 5'-GGGACATGCTGCTACAATACGGCTAATCTTTCATTGGGACCGAAAGCAAAGGTCAGTACA[G>A]AAACAAGTTAATAACTCCGAATATTGGGTTAATTATACTGAATGAACACTTACAGGTTTC-3'

ClinVar aggregate classification (germline): Likely benign. Review status: criteria provided, multiple submitters, no conflicts (2 of 4 stars). 4 submissions from 4 submitters: Likely benign (4). Last evaluated 2026-01-31.

Conditions:
Breast-ovarian cancer, familial, susceptibility to, 3. Also called: RAD51C-Related Breast/Ovarian Cancer. Identifiers: Orphanet 145, MedGen C3150659, MONDO:0013253, OMIM 613399.
Fanconi anemia complementation group O. Also called: RAD51C-Related Fanconi Anemia. Identifiers: Orphanet 84, MedGen C3150653, MONDO:0013248, OMIM 613390.
Hereditary cancer-predisposing syndrome. Also called: Tumor predisposition; Neoplastic Syndromes, Hereditary; Hereditary Cancer Syndrome; Hereditary neoplastic syndrome. Identifiers: Orphanet 140162, MedGen C0027672, MeSH D009386, MONDO:0015356.

Allele frequency attached by ClinVar (database versions not stated): ExAC 0.00001.

Submissions (4):

Labcorp Genetics (formerly Invitae), Labcorp
Classification: Likely benign for Fanconi anemia complementation group O. Last evaluated: 2026-01-31. Review status: criteria provided, single submitter. Criteria: Invitae Variant Classification Sherloc (09022015). Collection method: clinical testing. Allele origin: germline.

Myriad Genetics, Inc.
Classification: Likely benign for Breast-ovarian cancer, familial, susceptibility to, 3. Last evaluated: 2025-02-19. Review status: criteria provided, single submitter. Criteria: Myriad Autosomal Dominant, Autosomal Recessive and X-Linked Classification Criteria (2023). Collection method: clinical testing. Allele origin: unknown.
Comment: This variant is considered likely benign. This variant is intronic and is not expected to impact mRNA splicing.

GeneDx
Classification: Likely benign. Last evaluated: 2017-11-28. Review status: criteria provided, single submitter. Criteria: GeneDx Variant Classification (06012015). Collection method: clinical testing. Allele origin: germline. Affected: yes.
Comment: This variant is considered likely benign or benign based on one or more of the following criteria: it is a conservative change, it occurs at a poorly conserved position in the protein, it is predicted to be benign by multiple in silico algorithms, and/or has population frequency not consistent with disease.

Color Diagnostics, LLC DBA Color Health
Classification: Likely benign for Hereditary cancer-predisposing syndrome. Last evaluated: 2016-11-14. Review status: criteria provided, single submitter. Criteria: ACMG Guidelines, 2015. Collection method: clinical testing. Allele origin: germline.